The following is an entry in ClinVar:

ClinVar aggregate classification (germline): Uncertain significance (1 of 4 stars; one submission).

Allele frequency attached by ClinVar (database versions not stated): gnomAD exomes below 0.00001.
gnomAD v4.1: 5 of 1,614,244 alleles (0.00031%); highest among the groups gnomAD compares: Non-Finnish European, 0.00042%; no homozygotes.

Submission:

Labcorp Genetics (formerly Invitae), Labcorp
Classification: Uncertain significance. Last evaluated: 2023-04-28. Review status: criteria provided, single submitter. Criteria: Invitae Variant Classification Sherloc (09022015). Collection method: clinical testing. Allele origin: germline.
Comment: In summary, the available evidence is currently insufficient to determine the role of this variant in disease. Therefore, it has been classified as a Variant of Uncertain Significance. Advanced modeling of protein sequence and biophysical properties (such as structural, functional, and spatial information, amino acid conservation, physicochemical variation, residue mobility, and thermodynamic stability) has been performed at Invitae for this missense variant, however the output from this modeling did not meet the statistical confidence thresholds required to predict the impact of this variant on KMT2A protein function. This variant has not been reported in the literature in individuals affected with KMT2A-related conditions. This variant is not present in population databases (gnomAD no frequency). This sequence change replaces isoleucine, which is neutral and non-polar, with valine, which is neutral and non-polar, at codon 2717 of the KMT2A protein (p.Ile2717Val).

NM_001197104.2(KMT2A):c.8149A>G (p.Ile2717Val)

Gene: KMT2A (lysine methyltransferase 2A; plus strand). Cytogenetic location: 11q23.3.
Variant type: single nucleotide variant.
Coding change: c.8149A>G on transcript NM_001197104.2 (MANE Select); coding-DNA position 8149, A replaced by G.
Protein change: p.Ile2717Val; replaces isoleucine 2717 with valine.
Molecular consequence: missense variant.
Genome position (GRCh38, 1-based): chr11:118,504,041, A>G. VCF-style: chr11-118504041-A-G. GRCh37 (hg19) VCF-style: chr11-118374756-A-G.
Other names: c.8239A>G, p.Ile2747Val (NM_001412597.1); c.8140A>G, p.Ile2714Val (NM_005933.4); short protein forms I2717V, I2747V, I2714V.
Identifiers: ClinVar variation 3022254 (VCV003022254.3), dbSNP rs971640454, ClinGen allele CA229527313.